The following is an entry in ClinVar:

ClinVar aggregate classification (germline): Uncertain significance (1 of 4 stars; one submission).

Conditions:
Dyskeratosis congenita, autosomal recessive 5 (DKCB5). Identifiers: MedGen C3554656, MONDO:0014076, OMIM 615190.
Pulmonary fibrosis and/or bone marrow failure, Telomere-related, 3. Also called: PULMONARY FIBROSIS AND/OR BONE MARROW FAILURE SYNDROME, TELOMERE-RELATED, 3. Identifiers: Orphanet 2032, MedGen C4225346, MONDO:0014613, OMIM 616373.

Allele frequency attached by ClinVar (database versions not stated): ExAC 0.00001; gnomAD exomes 0.00001; gnomAD 0.00002; TOPMed 0.00003.
gnomAD v4.1: 21 of 1,612,654 alleles (0.0013%); highest among the groups gnomAD compares: East Asian, 0.0089%; no homozygotes.

Submission:

Labcorp Genetics (formerly Invitae), Labcorp
Classification: Uncertain significance for Dyskeratosis congenita, autosomal recessive 5; Pulmonary fibrosis and/or bone marrow failure, Telomere-related, 3. Last evaluated: 2021-11-27. Review status: criteria provided, single submitter. Criteria: Invitae Variant Classification Sherloc (09022015). Collection method: clinical testing. Allele origin: germline.
Comment: This sequence change replaces aspartic acid, which is acidic and polar, with asparagine, which is neutral and polar, at codon 507 of the RTEL1 protein (p.Asp507Asn). This variant is present in population databases (rs778782744, gnomAD 0.02%). This variant has not been reported in the literature in individuals affected with RTEL1-related conditions. Algorithms developed to predict the effect of missense changes on protein structure and function output the following: SIFT: "Tolerated"; PolyPhen-2: "Benign"; Align-GVGD: "Class C0". The asparagine amino acid residue is found in multiple mammalian species, which suggests that this missense change does not adversely affect protein function. In summary, the available evidence is currently insufficient to determine the role of this variant in disease. Therefore, it has been classified as a Variant of Uncertain Significance.

NM_001283009.2(RTEL1):c.1519G>A (p.Asp507Asn)

Genes: RTEL1 (regulator of telomere elongation helicase 1; plus strand), RTEL1-TNFRSF6B (RTEL1-TNFRSF6B readthrough (NMD candidate); plus strand). Cytogenetic location: 20q13.33.
Variant type: single nucleotide variant.
Coding change: c.1519G>A on transcript NM_001283009.2 (MANE Select); coding-DNA position 1519, G replaced by A.
Protein change: p.Asp507Asn; replaces aspartic acid 507 with asparagine.
Molecular consequence: missense variant. On other transcripts: non-coding transcript variant (1).
Genome position (GRCh38, 1-based): chr20:63,687,974, G>A. VCF-style: chr20-63687974-G-A. GRCh37 (hg19) VCF-style: chr20-62319327-G-A.
Other names: c.850G>A, p.Asp284Asn (NM_001283010.1); c.1519G>A, p.Asp507Asn (NM_016434.4); c.1591G>A, p.Asp531Asn (NM_032957.5); short protein forms D507N, D284N, D531N.
Identifiers: ClinVar variation 2164374 (VCV002164374.1), dbSNP rs778782744, ClinGen allele CA9964832.
Genomic context (GRCh38, chr20:63,687,974, plus strand): 5'-CTGCTCCCTCTGGCCACGCTCAGCCCTTTCCCAGTCTGCCTGGAGAACCCACACATCATC[G>A]ACAAGCACCAGATCTGGGTGGGGGTCGTCCCCAGAGGCCCCGATGGAGCCCAGTTGAGCT-3'
Protein context (NP_001269938.1, residues 497-517): PVCLENPHII[Asp507Asn]KHQIWVGVVP